The following is an entry in ClinVar:

NM_000089.4(COL1A2):c.1384G>T (p.Ala462Ser)

Gene: COL1A2 (collagen type I alpha 2 chain; plus strand). Cytogenetic location: 7q21.3.
Variant type: single nucleotide variant.
Coding change: c.1384G>T on transcript NM_000089.4 (MANE Select); coding-DNA position 1384, G replaced by T.
Protein change: p.Ala462Ser; replaces alanine 462 with serine.
Molecular consequence: missense variant.
Genome position (GRCh38, 1-based): chr7:94,412,101, G>T. VCF-style: chr7-94412101-G-T. GRCh37 (hg19) VCF-style: chr7-94041413-G-T.
Other names: short protein forms A462S.
Identifiers: ClinVar variation 3761225 (VCV003761225.2).
Genomic context (GRCh38, chr7:94,412,101, plus strand): 5'-ATAAAAACATCCTCATTTATTTTATAGGGTCTTCCTGGTTCCCCTGGAAATATCGGCCCC[G>T]CTGGAAAAGAAGGTCCTGTCGTAAGTATTGCTCATTTTCCATTATATTTTCAAGGACACT-3'
Protein context (NP_000080.2, residues 452-472): LPGSPGNIGP[Ala462Ser]GKEGPVGLPG

ClinVar aggregate classification (germline): Uncertain significance (1 of 4 stars; one submission).

Conditions:
Ehlers-Danlos syndrome, classic type, 1 (EDSCL1). Also called: EHLERS-DANLOS SYNDROME, GRAVIS TYPE; EHLERS-DANLOS SYNDROME, SEVERE CLASSIC TYPE; Ehlers-Danlos syndrome, type 1; Ehlers-Danlos Syndrome, Classic Type, COL5A1-Related; EDS I. Identifiers: MedGen C0268335, MONDO:0019567, OMIM 130000.
Osteogenesis imperfecta type I (OI1). Also called: OI, TYPE I; OSTEOGENESIS IMPERFECTA TARDA; OSTEOGENESIS IMPERFECTA WITH BLUE SCLERAE; Osteogenesis imperfecta type 1; Lobstein's Disease; Lobstein disease. Identifiers: Orphanet 216796, Orphanet 666, MedGen C0023931, MONDO:0008146, OMIM 166200. Disease mechanism: loss of function.

gnomAD v4.1: 4 of 1,612,612 alleles (0.00025%); highest among the groups gnomAD compares: South Asian, 0.0033%; no homozygotes.

Submission:

Labcorp Genetics (formerly Invitae), Labcorp
Classification: Uncertain significance for Osteogenesis imperfecta type I; Ehlers-Danlos syndrome, classic type, 1. Last evaluated: 2025-11-05. Review status: criteria provided, single submitter. Criteria: Invitae Variant Classification Sherloc (09022015). Collection method: clinical testing. Allele origin: germline.
Comment: This sequence change replaces alanine, which is neutral and non-polar, with serine, which is neutral and polar, at codon 462 of the COL1A2 protein (p.Ala462Ser). The frequency data for this variant in the population databases is considered unreliable, as metrics indicate poor data quality at this position in the gnomAD database. This missense change has been observed in individual(s) with osteogenesis imperfecta (PMID: 37270749). ClinVar contains an entry for this variant (Variation ID: 3761225). Invitae Evidence Modeling of protein sequence and biophysical properties (such as structural, functional, and spatial information, amino acid conservation, physicochemical variation, residue mobility, and thermodynamic stability) indicates that this missense variant is not expected to disrupt COL1A2 protein function with a negative predictive value of 95%. In summary, the available evidence is currently insufficient to determine the role of this variant in disease. Therefore, it has been classified as a Variant of Uncertain Significance.

Literature cited by the submitters: PubMed 37270749.